The following is an entry in ClinVar:

NM_006904.7(PRKDC):c.2236A>G (p.Arg746Gly)

Gene: PRKDC (protein kinase, DNA-activated, catalytic subunit; minus strand). Cytogenetic location: 8q11.21.
Variant type: single nucleotide variant.
Coding change: c.2236A>G on transcript NM_006904.7 (MANE Select); coding-DNA position 2236, A replaced by G.
Protein change: p.Arg746Gly; replaces arginine 746 with glycine.
Molecular consequence: missense variant.
Genome position (GRCh38, 1-based): chr8:47,927,794, T>C on the plus strand (A>G on the coding strand, the complement: PRKDC is on the minus strand). VCF-style: chr8-47927794-T-C. GRCh37 (hg19) VCF-style: chr8-48840354-T-C.
Other names: c.2236A>G, p.Arg746Gly (NM_001081640.2); short protein forms R746G.
Identifiers: ClinVar variation 3225784 (VCV003225784.1), dbSNP rs2090178056, ClinGen allele CA371162480.

ClinVar aggregate classification (germline): Uncertain significance (1 of 4 stars; one submission).

Allele frequency attached by ClinVar (database versions not stated): gnomAD exomes below 0.00001.
gnomAD v4.1: 2 of 1,575,552 alleles (0.00013%); highest among the groups gnomAD compares: Non-Finnish European, 0.000086%; no homozygotes.

Submission:

Ambry Genetics
Classification: Uncertain significance. Last evaluated: 2024-01-11. Review status: criteria provided, single submitter. Criteria: Ambry Variant Classification Scheme 2023. Collection method: clinical testing. Allele origin: germline.
Comment: The p.R746G variant (also known as c.2236A>G), located in coding exon 20 of the PRKDC gene, results from an A to G substitution at nucleotide position 2236. The arginine at codon 746 is replaced by glycine, an amino acid with dissimilar properties. This amino acid position is conserved. In addition, this alteration is predicted to be tolerated by in silico analysis. Since supporting evidence is limited at this time, the clinical significance of this alteration remains unclear.